The following is an entry in ClinVar:

ClinVar aggregate classification (germline): Uncertain significance. Review status: criteria provided, multiple submitters, no conflicts (2 of 4 stars). 2 submissions from 2 submitters: Uncertain significance (2). Last evaluated 2023-02-22.

Conditions:
Lysinuric protein intolerance (LPI). Identifiers: Orphanet 470, MedGen C0268647, MONDO:0009109, OMIM 222700.
Inborn genetic diseases. Identifiers: MedGen C0950123, MeSH D030342.

Allele frequency attached by ClinVar (database versions not stated): gnomAD 0.00002; TOPMed 0.00002; gnomAD exomes 0.00003; ExAC 0.00004; 1000 Genomes Project 30x 0.00016; 1000 Genomes Project 0.00020.
gnomAD v4.1: 44 of 1,614,064 alleles (0.0027%); highest among the groups gnomAD compares: East Asian, 0.011%; no homozygotes.

Submissions (2):

Ambry Genetics
Classification: Uncertain significance for Inborn genetic diseases. Last evaluated: 2023-02-22. Review status: criteria provided, single submitter. Criteria: Ambry Variant Classification Scheme 2023. Collection method: clinical testing. Allele origin: germline.

Labcorp Genetics (formerly Invitae), Labcorp
Classification: Uncertain significance for Lysinuric protein intolerance. Last evaluated: 2021-09-01. Review status: criteria provided, single submitter. Criteria: Invitae Variant Classification Sherloc (09022015). Collection method: clinical testing. Allele origin: germline.
Comment: This sequence change replaces arginine with histidine at codon 412 of the SLC7A7 protein (p.Arg412His). The arginine residue is highly conserved and there is a small physicochemical difference between arginine and histidine. This variant is present in population databases (rs558692833, ExAC 0.01%). This variant has not been reported in the literature in individuals affected with SLC7A7-related conditions. Algorithms developed to predict the effect of missense changes on protein structure and function are either unavailable or do not agree on the potential impact of this missense change (SIFT: "Tolerated"; PolyPhen-2: "Probably Damaging"; Align-GVGD: "Class C0"). In summary, the available evidence is currently insufficient to determine the role of this variant in disease. Therefore, it has been classified as a Variant of Uncertain Significance.

NM_003982.4(SLC7A7):c.1235G>A (p.Arg412His)

Gene: SLC7A7 (solute carrier family 7 member 7; minus strand). Cytogenetic location: 14q11.2.
Variant type: single nucleotide variant.
Coding change: c.1235G>A on transcript NM_003982.4 (MANE Select); coding-DNA position 1235, G replaced by A.
Protein change: p.Arg412His; replaces arginine 412 with histidine.
Molecular consequence: missense variant.
Genome position (GRCh38, 1-based): chr14:22,774,364, C>T on the plus strand (G>A on the coding strand, the complement: SLC7A7 is on the minus strand). VCF-style: chr14-22774364-C-T. GRCh37 (hg19) VCF-style: chr14-23243573-C-T.
Other names: c.1235G>A, p.Arg412His (NM_001126105.3, NM_001126106.4); short protein forms R412H.
Identifiers: ClinVar variation 2201083 (VCV002201083.3), dbSNP rs558692833, ClinGen allele CA7104457.